The following is an entry in ClinVar:

ClinVar aggregate classification (germline): Uncertain significance (1 of 4 stars; one submission).

Conditions:
PCNT-related disorder. Also called: PCNT-related condition.

Submission:

PreventionGenetics, part of Exact Sciences
Classification: Uncertain significance for PCNT-related condition. Last evaluated: 2025-06-04. Review status: criteria provided, single submitter. Criteria: ACMG Guidelines, 2015. Collection method: clinical testing. Allele origin: germline.
Comment: The PCNT c.7441C>A variant is predicted to result in the amino acid substitution p.Leu2481Met. To our knowledge, this variant has not been reported in the literature or in a large population database (gnomAD), indicating this variant is rare. At this time, the clinical significance of this variant is uncertain due to the absence of conclusive functional and genetic evidence.

NM_006031.6(PCNT):c.7441C>A (p.Leu2481Met)

Gene: PCNT (pericentrin; plus strand). Cytogenetic location: 21q22.3.
Variant type: single nucleotide variant.
Coding change: c.7441C>A on transcript NM_006031.6 (MANE Select); coding-DNA position 7441, C replaced by A.
Protein change: p.Leu2481Met; replaces leucine 2481 with methionine.
Molecular consequence: missense variant.
Genome position (GRCh38, 1-based): chr21:46,427,742, C>A. VCF-style: chr21-46427742-C-A. GRCh37 (hg19) VCF-style: chr21-47847656-C-A.
Other names: c.7087C>A, p.Leu2363Met (NM_001315529.2); short protein forms L2363M, L2481M.
Identifiers: ClinVar variation 5001235 (VCV005001235.1).